The following is an entry in ClinVar:

NM_015629.4(PRPF31):c.-21G>T

Gene: PRPF31 (pre-mRNA processing factor 31; plus strand). Cytogenetic location: 19q13.42.
Variant type: single nucleotide variant.
Coding change: c.-21G>T on transcript NM_015629.4 (MANE Select); 21 bases upstream of the start codon, G replaced by T.
Molecular consequence: 5 prime UTR variant.
Genome position (GRCh38, 1-based): chr19:54,115,785, G>T. VCF-style: chr19-54115785-G-T. GRCh37 (hg19) VCF-style: chr19-54619165-G-T.
Identifiers: ClinVar variation 330091 (VCV000330091.5), dbSNP rs373430109, ClinGen allele CA309318867.

ClinVar aggregate classification (germline): Likely benign (1 of 4 stars; one submission).

Conditions:
Retinitis pigmentosa (RP). Identifiers: Orphanet 791, MedGen C0035334, MeSH D012174, MONDO:0019200, OMIM 268000. Inheritance: Autosomal dominant, autosomal recessive and X linked inheritance.

Allele frequency attached by ClinVar (database versions not stated): gnomAD 0.00010; gnomAD exomes 0.00013; TOPMed 0.00025; 1000 Genomes Project 30x 0.00047; 1000 Genomes Project 0.00060.
gnomAD v4.1: 30 of 243,950 alleles (0.012%); highest among the groups gnomAD compares: East Asian, 0.17%; no homozygotes.

Submission:

Illumina Laboratory Services, Illumina
Classification: Likely benign for Retinitis pigmentosa. Last evaluated: 2018-01-12. Review status: criteria provided, single submitter. Criteria: ICSL Variant Classification Criteria 13 December 2019. Collection method: clinical testing. Allele origin: germline.
Comment: This variant was observed in the ICSL laboratory as part of a predisposition screen in an ostensibly healthy population. It had not been previously curated by ICSL or reported in the Human Gene Mutation Database (HGMD: prior to June 1st, 2018), and was therefore a candidate for classification through an automated scoring system. Utilizing variant allele frequency, disease prevalence and penetrance estimates, and inheritance mode, an automated score was calculated to assess if this variant is too frequent to cause the disease. Based on the score and internal cut-off values, a variant classified as likely benign is not then subjected to further curation. The score for this variant resulted in a classification of likely benign for this disease.